The following is an entry in ClinVar:

NM_001165963.4(SCN1A):c.3046G>A (p.Val1016Met)

Gene: SCN1A (sodium voltage-gated channel alpha subunit 1; minus strand). Cytogenetic location: 2q24.3.
Variant type: single nucleotide variant.
Coding change: c.3046G>A on transcript NM_001165963.4 (MANE Select); coding-DNA position 3046, G replaced by A.
Protein change: p.Val1016Met; replaces valine 1016 with methionine.
Molecular consequence: missense variant. On other transcripts: non-coding transcript variant (1).
Genome position (GRCh38, 1-based): chr2:166,036,431, C>T on the plus strand (G>A on the coding strand, the complement: SCN1A is on the minus strand). VCF-style: chr2-166036431-C-T. GRCh37 (hg19) VCF-style: chr2-166892941-C-T.
Other names: c.2962G>A, p.Val988Met (NM_001165964.3, NM_001353957.2, NM_001353958.2); c.3046G>A, p.Val1016Met (NM_001202435.3, NM_001353948.2); c.3013G>A, p.Val1005Met (NM_001353949.2, NM_001353950.2, NM_001353951.2 and 2 more transcripts); c.3010G>A, p.Val1004Met (NM_001353954.2, NM_001353955.2); c.2959G>A, p.Val987Met (NM_001353960.2); c.604G>A, p.Val202Met (NM_001353961.2); short protein forms V1005M, V1016M, V202M, V987M, V988M, V1004M.
Identifiers: ClinVar variation 429403 (VCV000429403.17), dbSNP rs370857858, ClinGen allele CA59787454.

ClinVar aggregate classification (germline): Conflicting classifications of pathogenicity. Review status: criteria provided, conflicting classifications (1 of 4 stars). 5 submissions from 4 submitters: Uncertain significance (4); Likely benign (1). Last evaluated 2025-11-26.

Conditions:
Inborn genetic diseases. Identifiers: MedGen C0950123, MeSH D030342.
Early-infantile DEE. Also called: Ohtahara syndrome; Early infantile epileptic encephalopathy with suppression bursts; Early infantile epileptic encephalopathy. Identifiers: Orphanet 1934, MedGen C0393706, MONDO:0800491.
Generalized epilepsy with febrile seizures plus, type 2 (GEFSP2). Also called: GEFS+, TYPE 2. Identifiers: Orphanet 36387, MedGen C1858673, MONDO:0011461, OMIM 604403.
Migraine, familial hemiplegic, 3. Identifiers: Orphanet 569, MedGen C1864987, MONDO:0012320, OMIM 609634.

gnomAD v4.1: 4 of 1,606,894 alleles (0.00025%); highest among the groups gnomAD compares: South Asian, 0.0045%; no homozygotes.

Submissions (5):

Ambry Genetics
Classification: Uncertain significance for Inborn genetic diseases. Last evaluated: 2025-11-26. Review status: criteria provided, single submitter. Criteria: Ambry Variant Classification Scheme 2023. Collection method: clinical testing. Allele origin: germline.

Labcorp Genetics (formerly Invitae), Labcorp
Classification: Likely benign for Early-infantile DEE. Last evaluated: 2024-03-02. Review status: criteria provided, single submitter. Criteria: Invitae Variant Classification Sherloc (09022015). Collection method: clinical testing. Allele origin: germline.

Illumina Laboratory Services, Illumina
Classification: Uncertain significance for Migraine, familial hemiplegic, 3. Last evaluated: 2018-01-13. Review status: criteria provided, single submitter. Criteria: ICSL Variant Classification Criteria 13 December 2019. Collection method: clinical testing. Allele origin: germline.

Illumina Laboratory Services, Illumina
Classification: Uncertain significance for Generalized epilepsy with febrile seizures plus, type 2. Last evaluated: 2018-01-13. Review status: criteria provided, single submitter. Criteria: ICSL Variant Classification Criteria 13 December 2019. Collection method: clinical testing. Allele origin: germline.

GeneDx
Classification: Uncertain significance. Last evaluated: 2017-11-13. Review status: criteria provided, single submitter. Criteria: GeneDx Variant Classification (06012015). Collection method: clinical testing. Allele origin: germline. Affected: yes.
Comment: A variant of uncertain significance has been identified in the SCN1A gene. The V1016M variant has not been published as a pathogenic variant, nor has it been reported as a benign variant to our knowledge. The V1016M variant is not observed in large population cohorts (Lek et al., 2016; 1000 Genomes Consortium et al., 2015; Exome Variant Server). The V1016M variant is a conservative amino acid substitution, which is not likely to impact secondary protein structure as these residues share similar properties. This substitution occurs at a position predicted to be within the intracellular loop between the S6 transmembrane segment of the second homologous domain and the S1 transmembrane segment of the third homologous domain, where amino acids with similar properties to Valine are tolerated across species. However, in silico analysis is inconsistent in its predictions as to whether or not the variant is damaging to the protein structure/function. Therefore, based on the currently available information, it is unclear whether this variant is a pathogenic variant or a rare benign variant.